The following is an entry in ClinVar:

NM_153704.6(TMEM67):c.1288+1G>A

Gene: TMEM67 (transmembrane protein 67; plus strand). Cytogenetic location: 8q22.1.
Variant type: single nucleotide variant.
Coding change: c.1288+1G>A on transcript NM_153704.6 (MANE Select); the canonical splice donor site of the intron after coding-DNA position 1288, G replaced by A.
Molecular consequence: splice donor variant.
Genome position (GRCh38, 1-based): chr8:93,785,379, G>A. VCF-style: chr8-93785379-G-A. GRCh37 (hg19) VCF-style: chr8-94797607-G-A.
Other names: c.1045+1G>A (NM_001142301.1).
Identifiers: ClinVar variation 2954316 (VCV002954316.3), dbSNP rs1814047987, ClinGen allele CA371689543.

ClinVar aggregate classification (germline): Likely pathogenic (1 of 4 stars; one submission).

Conditions:
Joubert syndrome. Also called: CEREBELLOPARENCHYMAL DISORDER IV; JOUBERT-BOLTSHAUSER SYNDROME; Familial aplasia of the vermis. Identifiers: Orphanet 475, MedGen C5979921, MONDO:0018772.
Meckel-Gruber syndrome. Also called: DYSENCEPHALIA SPLANCHNOCYSTICA; GRUBER SYNDROME; Dysencephalia splachnocystica. Identifiers: Orphanet 564, MedGen C0265215, MONDO:0018921.

Allele frequency attached by ClinVar (database versions not stated): TOPMed below 0.00001; gnomAD 0.00001; gnomAD exomes below 0.00001.
gnomAD v4.1: 2 of 1,612,216 alleles (0.00012%); highest among the groups gnomAD compares: Non-Finnish European, 0.00017%; no homozygotes.

Submission:

Labcorp Genetics (formerly Invitae), Labcorp
Classification: Likely pathogenic for Joubert syndrome; Meckel-Gruber syndrome. Last evaluated: 2023-11-30. Review status: criteria provided, single submitter. Criteria: Invitae Variant Classification Sherloc (09022015). Collection method: clinical testing. Allele origin: germline.
Comment: This sequence change affects a donor splice site in intron 12 of the TMEM67 gene. It is expected to disrupt RNA splicing. Variants that disrupt the donor or acceptor splice site typically lead to a loss of protein function (PMID: 16199547), and loss-of-function variants in TMEM67 are known to be pathogenic (PMID: 20232449, 23559409). This variant is not present in population databases (gnomAD no frequency). This variant has not been reported in the literature in individuals affected with TMEM67-related conditions. Algorithms developed to predict the effect of sequence changes on RNA splicing suggest that this variant may disrupt the consensus splice site. In summary, the currently available evidence indicates that the variant is pathogenic, but additional data are needed to prove that conclusively. Therefore, this variant has been classified as Likely Pathogenic.

Literature cited by the submitters: PubMed 16199547; PubMed 20232449; PubMed 23559409.